The following is an entry in ClinVar:

NC_000004.11:g.(?_5798739)_(5798969_?)del

Gene: EVC (EvC ciliary complex subunit 1; plus strand). Cytogenetic location: 4p16.2.
Variant type: Deletion.
Identifiers: ClinVar variation 1069685 (VCV001069685.2).

ClinVar aggregate classification (germline): Pathogenic (1 of 4 stars; one submission).

Conditions:
Curry-Hall syndrome (WAD). Also called: WEYERS ACRODENTAL DYSOSTOSIS. Identifiers: Orphanet 952, MedGen C0457013, MONDO:0008673, OMIM 193530.
Ellis-van Creveld syndrome (EVC). Also called: EVC-Related Ellis-van Creveld Syndrome; EVC2-Related Ellis-van Creveld Syndrome; MESOECTODERMAL DYSPLASIA; Chondroectodermal dysplasia. Identifiers: Orphanet 289, MedGen C0013903, MONDO:0009162, OMIM 225500.

Submission:

Labcorp Genetics (formerly Invitae), Labcorp
Classification: Pathogenic for Curry-Hall syndrome; Ellis-van Creveld syndrome. Last evaluated: 2020-01-11. Review status: criteria provided, single submitter. Criteria: Invitae Variant Classification Sherloc (09022015). Collection method: clinical testing. Allele origin: germline.
Comment: This variant is an out-of-frame deletion of the genomic region encompassing exon 14 of the EVC gene. This is expected to create a premature translational stop signal and result in an absent or disrupted protein product. This variant has been observed in individuals with a clinical diagnosis of Ellis-van Creveld syndrome (Invitae). Loss-of-function variants in EVC are known to be pathogenic (PMID: 23220543). For these reasons, this variant has been classified as Pathogenic.

Literature cited by the submitters: PubMed 23220543.